The following is an entry in ClinVar:

NM_001032283.3(TMPO):c.565+1848G>A

Gene: TMPO (thymopoietin; plus strand). Cytogenetic location: 12q23.1.
Variant type: single nucleotide variant.
Coding change: c.565+1848G>A on transcript NM_001032283.3 (MANE Select); 1848 bases into the intron after coding-DNA position 565, G replaced by A.
Molecular consequence: intron variant. On other transcripts: missense variant (1).
Genome position (GRCh38, 1-based): chr12:98,533,686, G>A. VCF-style: chr12-98533686-G-A. GRCh37 (hg19) VCF-style: chr12-98927464-G-A.
Other names: c.1429G>A, p.Ala477Thr (NM_003276.2); c.565+1848G>A (NM_001307975.2, NM_001032284.3); short protein forms A477T.
Identifiers: ClinVar variation 165470 (VCV000165470.21), dbSNP rs34301677, ClinGen allele CA178237.

ClinVar aggregate classification (germline): Conflicting classifications of pathogenicity. Review status: criteria provided, conflicting classifications (1 of 4 stars). 4 submissions from 4 submitters: Uncertain significance (3); Likely benign (1). Last evaluated 2026-01-29.

Conditions:
Loeys-Dietz syndrome 2 (LDS2). Also called: TGFBR2-Related Loeys-Dietz Syndrome; AORTIC ANEURYSM, FAMILIAL THORACIC 3; MARFAN SYNDROME, TYPE II; Marfan Syndrome type 2; Marfan like connective tissue disorder; MFS 2. Identifiers: Orphanet 284973, Orphanet 558, MedGen C2674574, MONDO:0012427, OMIM 610168.

Allele frequency attached by ClinVar (database versions not stated): TOPMed 0.00014; ESP Exome Variant Server 0.00015; ExAC 0.00016; gnomAD exomes 0.00016; gnomAD 0.00034 and 0.00037.

Submissions (4):

Labcorp Genetics (formerly Invitae), Labcorp
Classification: Uncertain significance for Loeys-Dietz syndrome 2. Last evaluated: 2026-01-29. Review status: criteria provided, single submitter. Criteria: Invitae Variant Classification Sherloc (09022015). Collection method: clinical testing. Allele origin: germline.
Comment: This sequence change replaces alanine, which is neutral and non-polar, with threonine, which is neutral and polar, at codon 477 of the TMPO protein (p.Ala477Thr). This variant is present in population databases (rs34301677, gnomAD 0.07%), and has an allele count higher than expected for a pathogenic variant. This variant has not been reported in the literature in individuals affected with TMPO-related conditions. ClinVar contains an entry for this variant (Variation ID: 165470). Invitae Evidence Modeling of protein sequence and biophysical properties (such as structural, functional, and spatial information, amino acid conservation, physicochemical variation, residue mobility, and thermodynamic stability) indicates that this missense variant is not expected to disrupt TMPO protein function with a negative predictive value of 80%. In summary, the available evidence is currently insufficient to determine the role of this variant in disease. Therefore, it has been classified as a Variant of Uncertain Significance.

GeneDx
Classification: Uncertain significance. Last evaluated: 2025-04-01. Review status: criteria provided, single submitter. Criteria: GeneDx Variant Classification Process June 2021. Collection method: clinical testing. Allele origin: germline. Affected: yes.
Comment: Has not been previously published as pathogenic or benign to our knowledge; In silico analysis indicates that this missense variant does not alter protein structure/function

Ambry Genetics
Classification: Likely benign. Last evaluated: 2022-09-27. Review status: criteria provided, single submitter. Criteria: Ambry Variant Classification Scheme 2023. Collection method: clinical testing. Allele origin: germline.

Laboratory for Molecular Medicine, Mass General Brigham Personalized Medicine
Classification: Uncertain significance. Last evaluated: 2014-11-17. Review status: criteria provided, single submitter. Criteria: LMM Criteria. Collection method: clinical testing. Allele origin: germline. Observed: 1 variant allele.
Comment: Variant classified as Uncertain Significance - Favor Benign. The p.Ala477Thr var iant in TMPO has not been previously reported in individuals with cardiomyopathy , but has been identified in 2/4404 African American chromosomes by the NHLBI Ex ome Sequencing Project (dbSNP rs34301677). Al anine (Ala) at position 477 is not conserved in mammals or evolutionarily distan t species, supporting that a change at this position may be tolerated. Additiona l computational prediction tools suggest that this variant may not impact the pr otein. In summary, while the clinical significance of the p.Ala477Thr variant is uncertain, these data suggest that it is more likely to be benign.